The following is an entry in ClinVar:

NM_198578.4(LRRK2):c.4432G>A (p.Gly1478Arg)

Gene: LRRK2 (leucine rich repeat kinase 2; plus strand). Cytogenetic location: 12q12.
Variant type: single nucleotide variant.
Coding change: c.4432G>A on transcript NM_198578.4 (MANE Select); coding-DNA position 4432, G replaced by A.
Protein change: p.Gly1478Arg; replaces glycine 1478 with arginine.
Molecular consequence: missense variant.
Genome position (GRCh38, 1-based): chr12:40,310,545, G>A. VCF-style: chr12-40310545-G-A. GRCh37 (hg19) VCF-style: chr12-40704347-G-A.
Other names: short protein forms G1478R.
Identifiers: ClinVar variation 3540765 (VCV003540765.1).

ClinVar aggregate classification (germline): Uncertain significance (1 of 4 stars; one submission).

Conditions:
Inborn genetic diseases. Identifiers: MedGen C0950123, MeSH D030342.

Submission:

Ambry Genetics
Classification: Uncertain significance for Inborn genetic diseases. Last evaluated: 2024-11-02. Review status: criteria provided, single submitter. Criteria: Ambry Variant Classification Scheme 2023. Collection method: clinical testing. Allele origin: germline.
Comment: The p.G1478R variant (also known as c.4432G>A), located in coding exon 31 of the LRRK2 gene, results from a G to A substitution at nucleotide position 4432. The glycine at codon 1478 is replaced by arginine, an amino acid with dissimilar properties. This amino acid position is conserved. In addition, the in silico prediction for this alteration is inconclusive. Based on the available evidence, the clinical significance of this variant remains unclear.